The following is an entry in ClinVar:

NM_175875.5(SIX5):c.1497C>T (p.Ala499=)

Gene: SIX5 (SIX homeobox 5; minus strand). Cytogenetic location: 19q13.32.
Variant type: single nucleotide variant.
Coding change: c.1497C>T on transcript NM_175875.5 (MANE Select); coding-DNA position 1497, C replaced by T.
Protein change: p.Ala499=; no amino-acid change (alanine 499 retained).
Molecular consequence: synonymous variant.
Genome position (GRCh38, 1-based): chr19:45,766,462, G>A on the plus strand (C>T on the coding strand, the complement: SIX5 is on the minus strand). VCF-style: chr19-45766462-G-A. GRCh37 (hg19) VCF-style: chr19-46269720-G-A.
Identifiers: ClinVar variation 1316342 (VCV001316342.4), dbSNP rs372106524, ClinGen allele CA309000857.

ClinVar aggregate classification (germline): Likely benign. Review status: criteria provided, single submitter (1 of 4 stars). 2 submissions from 2 submitters: Likely benign (1). 1 of the submissions does not count toward it. Last evaluated 2021-10-05.

Conditions:
SIX5-related disorder. Also called: SIX5-related condition.

gnomAD v4.1: 61 of 1,536,420 alleles (0.004%); highest among the groups gnomAD compares: East Asian, 0.071%; no homozygotes.

Submissions (2):

GeneDx
Classification: Likely benign. Last evaluated: 2021-10-05. Review status: criteria provided, single submitter. Criteria: GeneDx Variant Classification Process June 2021. Collection method: clinical testing. Allele origin: germline. Affected: yes.

PreventionGenetics, part of Exact Sciences
Classification: Likely benign for SIX5-related condition. Last evaluated: 2020-08-07. Review status: no assertion criteria provided. Collection method: clinical testing. Allele origin: germline. Not counted in ClinVar's aggregate classification.
Comment: This variant is classified as likely benign based on ACMG/AMP sequence variant interpretation guidelines (Richards et al. 2015 PMID: 25741868, with internal and published modifications).